The following is an entry in ClinVar:

ClinVar aggregate classification (germline): Uncertain significance (1 of 4 stars; one submission).

Conditions:
Chondrodysplasia punctata 2 X-linked dominant (CDPX2). Also called: HAPPLE SYNDROME; EBP-Related X-Linked Chondrodysplasia Punctata; CONRADI-HUNERMANN-HAPPLE SYNDROME; Hunermann-Conradi Syndrome. Identifiers: Orphanet 35173, MedGen C0282102, MONDO:0020603, OMIM 302960.
MEND syndrome (MEND). Also called: MALE EBP DISORDER WITH NEUROLOGIC DEFECTS. Identifiers: Orphanet 401973, MedGen C4085243, MONDO:0010498, OMIM 300960.

Submission:

Juno Genomics, Hangzhou Juno Genomics, Inc
Classification: Uncertain significance for Chondrodysplasia punctata 2 X-linked dominant; MEND syndrome. Review status: criteria provided, single submitter. Criteria: ACMG Guidelines, 2015. Collection method: clinical testing. Allele origin: germline.
Comment: Absent from controls (or at extremely low frequency if recessive) in Genome Aggregation Database.;Multiple lines of computational evidence support a deleterious effect on the gene or gene product.

NM_006579.3(EBP):c.32A>G (p.Tyr11Cys)

Gene: EBP (EBP cholestenol delta-isomerase; plus strand). Cytogenetic location: Xp11.23.
Variant type: single nucleotide variant.
Coding change: c.32A>G on transcript NM_006579.3 (MANE Select); coding-DNA position 32, A replaced by G.
Protein change: p.Tyr11Cys; replaces tyrosine 11 with cysteine.
Molecular consequence: missense variant.
Genome position (GRCh38, 1-based): chrX:48,523,803, A>G. VCF-style: chrX-48523803-A-G. GRCh37 (hg19) VCF-style: chrX-48382191-A-G.
Other names: short protein forms Y11C.
Identifiers: ClinVar variation 5007563 (VCV005007563.2).